The following is an entry in ClinVar:

ClinVar aggregate classification (germline): Uncertain significance (1 of 4 stars; one submission).

Conditions:
Hereditary spastic paraplegia 47. Also called: Spastic paraplegia 47, autosomal recessive; adaptor protein 4 (AP-4) deficiency syndrome; CEREBRAL PALSY, SPASTIC QUADRIPLEGIC, 5. Identifiers: Orphanet 280763, MedGen C3279738, MONDO:0013551, OMIM 614066.

Allele frequency attached by ClinVar (database versions not stated): gnomAD exomes 0.00002; ExAC 0.00004; gnomAD 0.00010.
gnomAD v4.1: 45 of 1,609,958 alleles (0.0028%); highest among the groups gnomAD compares: Non-Finnish European, 0.0031%; no homozygotes.

Submission:

Labcorp Genetics (formerly Invitae), Labcorp
Classification: Uncertain significance for Hereditary spastic paraplegia 47. Last evaluated: 2025-09-05. Review status: criteria provided, single submitter. Criteria: Invitae Variant Classification Sherloc (09022015). Collection method: clinical testing. Allele origin: germline.
Comment: This sequence change replaces valine, which is neutral and non-polar, with alanine, which is neutral and non-polar, at codon 383 of the AP4B1 protein (p.Val383Ala). This variant is present in population databases (rs757927686, gnomAD 0.02%). This variant has not been reported in the literature in individuals affected with AP4B1-related conditions. ClinVar contains an entry for this variant (Variation ID: 649686). Invitae Evidence Modeling of protein sequence and biophysical properties (such as structural, functional, and spatial information, amino acid conservation, physicochemical variation, residue mobility, and thermodynamic stability) indicates that this missense variant is not expected to disrupt AP4B1 protein function with a negative predictive value of 80%. In summary, the available evidence is currently insufficient to determine the role of this variant in disease. Therefore, it has been classified as a Variant of Uncertain Significance.

NM_001253852.3(AP4B1):c.1148T>C (p.Val383Ala)

Genes: AP4B1 (adaptor related protein complex 4 subunit beta 1; minus strand), AP4B1-AS1 (AP4B1 antisense RNA 1; plus strand). Cytogenetic location: 1p13.2.
Variant type: single nucleotide variant.
Coding change: c.1148T>C on transcript NM_001253852.3 (MANE Select); coding-DNA position 1148, T replaced by C.
Protein change: p.Val383Ala; replaces valine 383 with alanine.
Molecular consequence: missense variant.
Genome position (GRCh38, 1-based): chr1:113,898,768, A>G on the plus strand (T>C on the coding strand, the complement: AP4B1 is on the minus strand). VCF-style: chr1-113898768-A-G. GRCh37 (hg19) VCF-style: chr1-114441390-A-G.
Other names: c.851T>C, p.Val284Ala (NM_001253853.3); c.644T>C, p.Val215Ala (NM_001308312.2); c.1148T>C, p.Val383Ala (NM_006594.5); short protein forms V215A, V284A, V383A.
Identifiers: ClinVar variation 649686 (VCV000649686.4), dbSNP rs757927686, ClinGen allele CA1015889.
Genomic context (GRCh38, chr1:113,898,768, plus strand): 5'-CAGGCATTACCTGTGGTAATGTGCTCTTGTCGAAGACCCAGCAACTCTGTTAAAATCTGA[A>G]CACATTGATCTGTGTAAGTCCTGGCAATGCCACCTACAAAAGAAGGGAAAGCAGAGAAAA-3'
Protein context (NP_001240781.1, residues 373-393): GIARTYTDQC[Val383Ala]QILTELLGLR